The following is an entry in ClinVar:

NM_004364.5(CEBPA):c.668G>C (p.Gly223Ala)

Gene: CEBPA (CCAAT enhancer binding protein alpha; minus strand). Cytogenetic location: 19q13.11.
Variant type: single nucleotide variant.
Coding change: c.668G>C on transcript NM_004364.5 (MANE Select); coding-DNA position 668, G replaced by C.
Protein change: p.Gly223Ala; replaces glycine 223 with alanine.
Molecular consequence: missense variant.
Genome position (GRCh38, 1-based): chr19:33,301,747, C>G on the plus strand (G>C on the coding strand, the complement: CEBPA is on the minus strand). VCF-style: chr19-33301747-C-G. GRCh37 (hg19) VCF-style: chr19-33792653-C-G.
Other names: c.311G>C, p.Gly104Ala (NM_001285829.2); c.773G>C, p.Gly258Ala (NM_001287424.2); c.626G>C, p.Gly209Ala (NM_001287435.2); short protein forms G223A, G258A, G104A, G209A.
Identifiers: ClinVar variation 3015799 (VCV003015799.4), dbSNP rs2145260788, ClinGen allele CA405274454.
Genomic context (GRCh38, chr19:33,301,747, plus strand): 5'-GCACCGAGCGCGGGCGCGGGGTGCGGGCTGGGCACGGGCGTGGGCGGCGGCGTGGGGTGA[C>G]CGGGCTGCAGGTGCATGGTGGTCTGGCCGCAGTGCGCGATCTGGAACTGCAGGTGCGGGG-3'
Protein context (NP_004355.2, residues 213-233): CGQTTMHLQP[Gly223Ala]HPTPPPTPVP

ClinVar aggregate classification (germline): Conflicting classifications of pathogenicity. Review status: criteria provided, conflicting classifications (1 of 4 stars). 2 submissions from 2 submitters: Uncertain significance (1); Likely benign (1). Last evaluated 2026-02-05.

Conditions:
Acute myeloid leukemia (AML). Also called: Acute myeloid leukemia, adult; AML adult; Acute non-lymphocytic leukemia; Acute granulocytic leukemia; Leukemia, acute myeloid, somatic; Leukemia, acute myelogenous, somatic. Identifiers: Orphanet 519, MedGen C0023467, MeSH D015470, MONDO:0018874, OMIM 601626, HP:0004808. Disease mechanism: Constitutively activated FLT3.
Inborn genetic diseases. Identifiers: MedGen C0950123, MeSH D030342.

Submissions (2):

Ambry Genetics
Classification: Likely benign for Inborn genetic diseases. Last evaluated: 2026-02-05. Review status: criteria provided, single submitter. Criteria: Ambry Variant Classification Scheme 2023. Collection method: clinical testing. Allele origin: germline.

Labcorp Genetics (formerly Invitae), Labcorp
Classification: Uncertain significance for Acute myeloid leukemia. Last evaluated: 2023-05-30. Review status: criteria provided, single submitter. Criteria: Invitae Variant Classification Sherloc (09022015). Collection method: clinical testing. Allele origin: germline.
Comment: This sequence change replaces glycine, which is neutral and non-polar, with alanine, which is neutral and non-polar, at codon 223 of the CEBPA protein (p.Gly223Ala). The frequency data for this variant in the population databases is considered unreliable, as metrics indicate insufficient coverage at this position in the gnomAD database. In summary, the available evidence is currently insufficient to determine the role of this variant in disease. Therefore, it has been classified as a Variant of Uncertain Significance. Advanced modeling of protein sequence and biophysical properties (such as structural, functional, and spatial information, amino acid conservation, physicochemical variation, residue mobility, and thermodynamic stability) performed at Invitae indicates that this missense variant is not expected to disrupt CEBPA protein function. This variant has not been reported in the literature in individuals affected with CEBPA-related conditions.